The following is an entry in ClinVar:

NM_004304.5(ALK):c.3206T>G (p.Met1069Arg)

Gene: ALK (ALK receptor tyrosine kinase; minus strand). Cytogenetic location: 2p23.2.
Variant type: single nucleotide variant.
Coding change: c.3206T>G on transcript NM_004304.5 (MANE Select); coding-DNA position 3206, T replaced by G.
Protein change: p.Met1069Arg; replaces methionine 1069 with arginine.
Molecular consequence: missense variant. On other transcripts: initiator codon variant (1).
Genome position (GRCh38, 1-based): chr2:29,223,495, A>C on the plus strand (T>G on the coding strand, the complement: ALK is on the minus strand). VCF-style: chr2-29223495-A-C. GRCh37 (hg19) VCF-style: chr2-29446361-A-C.
Other names: c.3206T>G (NM_004304.4); c.2T>G, p.Met1Arg (NM_001353765.2); short protein forms M1069R, M1R.
Identifiers: ClinVar variation 3650173 (VCV003650173.3).

ClinVar aggregate classification (germline): Uncertain significance. Review status: criteria provided, multiple submitters, no conflicts (2 of 4 stars). 2 submissions from 2 submitters: Uncertain significance (2). Last evaluated 2025-09-17.

Conditions:
Hereditary cancer-predisposing syndrome. Also called: Hereditary neoplastic syndrome; Hereditary Cancer Syndrome; Neoplastic Syndromes, Hereditary; Tumor predisposition. Identifiers: Orphanet 140162, MedGen C0027672, MeSH D009386, MONDO:0015356.
Neuroblastoma, susceptibility to, 3. Also called: ALK-Related Neuroblastic Tumor Susceptibility. Identifiers: Orphanet 635, MedGen C2751681, MONDO:0013083, OMIM 613014.

Submissions (2):

Ambry Genetics
Classification: Uncertain significance for Hereditary cancer-predisposing syndrome. Last evaluated: 2025-09-17. Review status: criteria provided, single submitter. Criteria: Ambry Variant Classification Scheme 2023. Collection method: clinical testing. Allele origin: germline.
Comment: The p.M1069R variant (also known as c.3206T>G), located in coding exon 20 of the ALK gene, results from a T to G substitution at nucleotide position 3206. The methionine at codon 1069 is replaced by arginine, an amino acid with similar properties. This amino acid position is conserved. In addition, the in silico prediction for this alteration is inconclusive. Based on the available evidence, the clinical significance of this variant remains unclear.

Labcorp Genetics (formerly Invitae), Labcorp
Classification: Uncertain significance for Neuroblastoma, susceptibility to, 3. Last evaluated: 2024-04-17. Review status: criteria provided, single submitter. Criteria: Invitae Variant Classification Sherloc (09022015). Collection method: clinical testing. Allele origin: germline.
Comment: This sequence change replaces methionine, which is neutral and non-polar, with arginine, which is basic and polar, at codon 1069 of the ALK protein (p.Met1069Arg). This variant is not present in population databases (gnomAD no frequency). This variant has not been reported in the literature in individuals affected with ALK-related conditions. An algorithm developed to predict the effect of missense changes on protein structure and function (PolyPhen-2) suggests that this variant is likely to be tolerated. In summary, the available evidence is currently insufficient to determine the role of this variant in disease. Therefore, it has been classified as a Variant of Uncertain Significance.